The following is an entry in ClinVar:

ClinVar aggregate classification (germline): Uncertain significance (1 of 4 stars; one submission).

Submission:

Labcorp Genetics (formerly Invitae), Labcorp
Classification: Uncertain significance. Last evaluated: 2022-05-12. Review status: criteria provided, single submitter. Criteria: Invitae Variant Classification Sherloc (09022015). Collection method: clinical testing. Allele origin: germline.
Comment: In summary, the available evidence is currently insufficient to determine the role of this variant in disease. Therefore, it has been classified as a Variant of Uncertain Significance. Variants that disrupt the consensus splice site are a relatively common cause of aberrant splicing (PMID: 17576681, 9536098). Algorithms developed to predict the effect of sequence changes on RNA splicing suggest that this variant is not likely to affect RNA splicing. This variant has not been reported in the literature in individuals affected with MERTK-related conditions. This variant is not present in population databases (gnomAD no frequency). This sequence change falls in intron 2 of the MERTK gene. It does not directly change the encoded amino acid sequence of the MERTK protein. It affects a nucleotide within the consensus splice site.

Literature cited by the submitters: PubMed 17576681; PubMed 9536098.

NM_006343.3(MERTK):c.482+3A>G

Gene: MERTK (MER proto-oncogene, tyrosine kinase; plus strand). Cytogenetic location: 2q13.
Variant type: single nucleotide variant.
Coding change: c.482+3A>G on transcript NM_006343.3 (MANE Select); 3 bases into the intron after coding-DNA position 482, A replaced by G.
Molecular consequence: intron variant.
Genome position (GRCh38, 1-based): chr2:111,929,543, A>G. VCF-style: chr2-111929543-A-G. GRCh37 (hg19) VCF-style: chr2-112687120-A-G.
Identifiers: ClinVar variation 1993371 (VCV001993371.4), dbSNP rs1007360892, ClinGen allele CA53561499.
Genomic context (GRCh38, chr2:111,929,543, plus strand): 5'-ATGCAATTACACAGTTTTATCCAGATGATGAAGTTACAGCAATAATCGCTTCCTTCAGGT[A>G]TGTGTTCTTTCTTCCTTTTTTATTTTTTTAGTTTTAATATTTATTTATTTATTTACTTAT-3'